The following is an entry in ClinVar:

NM_001253697.2(ERBIN):c.2920C>T (p.Pro974Ser)

Gene: ERBIN (erbb2 interacting protein; plus strand). Cytogenetic location: 5q12.3.
Variant type: single nucleotide variant.
Coding change: c.2920C>T on transcript NM_001253697.2 (MANE Select); coding-DNA position 2920, C replaced by T.
Protein change: p.Pro974Ser; replaces proline 974 with serine.
Molecular consequence: missense variant.
Genome position (GRCh38, 1-based): chr5:66,054,238, C>T. VCF-style: chr5-66054238-C-T. GRCh37 (hg19) VCF-style: chr5-65350066-C-T.
Other names: c.2920C>T, p.Pro974Ser (NM_001006600.3, NM_001253698.2, NM_001253699.2 and 1 more transcripts); c.2908C>T, p.Pro970Ser (NM_001253701.2); short protein forms P974S, P970S.
Identifiers: ClinVar variation 1425972 (VCV001425972.7), dbSNP rs749511350, ClinGen allele CA119868244.

ClinVar aggregate classification (germline): Uncertain significance (1 of 4 stars; one submission).

Allele frequency attached by ClinVar (database versions not stated): gnomAD 0.00001; TOPMed 0.00001.
gnomAD v4.1: 4 of 1,613,946 alleles (0.00025%); highest among the groups gnomAD compares: African/African-American, 0.0027%; no homozygotes.

Submission:

Labcorp Genetics (formerly Invitae), Labcorp
Classification: Uncertain significance. Last evaluated: 2025-03-04. Review status: criteria provided, single submitter. Criteria: Invitae Variant Classification Sherloc (09022015). Collection method: clinical testing. Allele origin: germline.
Comment: This sequence change replaces proline, which is neutral and non-polar, with serine, which is neutral and polar, at codon 974 of the ERBIN protein (p.Pro974Ser). This variant is present in population databases (no rsID available, gnomAD 0.003%). This variant has not been reported in the literature in individuals affected with ERBIN-related conditions. ClinVar contains an entry for this variant (Variation ID: 1425972). An algorithm developed to predict the effect of missense changes on protein structure and function outputs the following: PolyPhen-2: "Benign". The serine amino acid residue is found in multiple mammalian species, which suggests that this missense change does not adversely affect protein function. In summary, the available evidence is currently insufficient to determine the role of this variant in disease. Therefore, it has been classified as a Variant of Uncertain Significance.